The following is an entry in ClinVar:

ClinVar aggregate classification (germline): Uncertain significance (1 of 4 stars; one submission).

gnomAD v4.1: 1 of 1,614,076 alleles (0.000062%); highest among the groups gnomAD compares: Non-Finnish European, 0.000085%; no homozygotes.

Submission:

Labcorp Genetics (formerly Invitae), Labcorp
Classification: Uncertain significance. Last evaluated: 2025-06-15. Review status: criteria provided, single submitter. Criteria: Invitae Variant Classification Sherloc (09022015). Collection method: clinical testing. Allele origin: germline.
Comment: This sequence change replaces serine, which is neutral and polar, with leucine, which is neutral and non-polar, at codon 1047 of the MTOR protein (p.Ser1047Leu). This variant is not present in population databases (gnomAD no frequency). This variant has not been reported in the literature in individuals affected with MTOR-related conditions. Invitae Evidence Modeling of protein sequence and biophysical properties (such as structural, functional, and spatial information, amino acid conservation, physicochemical variation, residue mobility, and thermodynamic stability) indicates that this missense variant is not expected to disrupt MTOR protein function with a negative predictive value of 95%. In summary, the available evidence is currently insufficient to determine the role of this variant in disease. Therefore, it has been classified as a Variant of Uncertain Significance.

NM_004958.4(MTOR):c.3140C>T (p.Ser1047Leu)

Gene: MTOR (mechanistic target of rapamycin kinase; minus strand). Cytogenetic location: 1p36.22.
Variant type: single nucleotide variant.
Coding change: c.3140C>T on transcript NM_004958.4 (MANE Select); coding-DNA position 3140, C replaced by T.
Protein change: p.Ser1047Leu; replaces serine 1047 with leucine.
Molecular consequence: missense variant.
Genome position (GRCh38, 1-based): chr1:11,213,544, G>A on the plus strand (C>T on the coding strand, the complement: MTOR is on the minus strand). VCF-style: chr1-11213544-G-A. GRCh37 (hg19) VCF-style: chr1-11273601-G-A.
Other names: c.3140C>T, p.Ser1047Leu (NM_001386500.1); c.1892C>T, p.Ser631Leu (NM_001386501.1); short protein forms S1047L, S631L.
Identifiers: ClinVar variation 4808477 (VCV004808477.1).
Genomic context (GRCh38, chr1:11,213,544, plus strand): 5'-AATTCACCCCCAAGAGCTACCACAATTTGCTCAATGAGAAGAATGATCGTGCTCTGAATT[G>A]AGGTGTTCATGACCCAGAATTCCTACAAAGAGAGAAAAGTCAGAGGAGCTGAGTCAGGTC-3'
Protein context (NP_004949.1, residues 1037-1057): LMREFWVMNT[Ser1047Leu]IQSTIILLIE